The following is an entry in ClinVar:

ClinVar aggregate classification (germline): Uncertain significance. Review status: criteria provided, multiple submitters, no conflicts (2 of 4 stars). 2 submissions from 2 submitters: Uncertain significance (2). Last evaluated 2024-12-07.

Conditions:
Inborn genetic diseases. Identifiers: MedGen C0950123, MeSH D030342.

Allele frequency attached by ClinVar (database versions not stated): gnomAD exomes below 0.00001.
gnomAD v4.1: 1 of 1,587,892 alleles (0.000063%); highest among the groups gnomAD compares: Non-Finnish European, 0.000085%; no homozygotes.

Submissions (2):

Labcorp Genetics (formerly Invitae), Labcorp
Classification: Uncertain significance. Last evaluated: 2024-12-07. Review status: criteria provided, single submitter. Criteria: Invitae Variant Classification Sherloc (09022015). Collection method: clinical testing. Allele origin: germline.
Comment: This sequence change replaces glutamine, which is neutral and polar, with glutamic acid, which is acidic and polar, at codon 361 of the APC2 protein (p.Gln361Glu). This variant is not present in population databases (gnomAD no frequency). This variant has not been reported in the literature in individuals affected with APC2-related conditions. ClinVar contains an entry for this variant (Variation ID: 3127720). Invitae Evidence Modeling of protein sequence and biophysical properties (such as structural, functional, and spatial information, amino acid conservation, physicochemical variation, residue mobility, and thermodynamic stability) indicates that this missense variant is not expected to disrupt APC2 protein function with a negative predictive value of 80%. In summary, the available evidence is currently insufficient to determine the role of this variant in disease. Therefore, it has been classified as a Variant of Uncertain Significance.

Ambry Genetics
Classification: Uncertain significance for Inborn genetic diseases. Last evaluated: 2024-03-01. Review status: criteria provided, single submitter. Criteria: Ambry Variant Classification Scheme 2023. Collection method: clinical testing. Allele origin: germline.

NM_005883.3(APC2):c.1081C>G (p.Gln361Glu)

Gene: APC2 (APC regulator of Wnt signaling pathway 2; plus strand). Cytogenetic location: 19p13.3.
Variant type: single nucleotide variant.
Coding change: c.1081C>G on transcript NM_005883.3 (MANE Select); coding-DNA position 1081, C replaced by G.
Protein change: p.Gln361Glu; replaces glutamine 361 with glutamic acid.
Molecular consequence: missense variant.
Genome position (GRCh38, 1-based): chr19:1,457,117, C>G. VCF-style: chr19-1457117-C-G. GRCh37 (hg19) VCF-style: chr19-1457116-C-G.
Other names: c.1078C>G, p.Gln360Glu (NM_001351273.1); short protein forms Q360E, Q361E.
Identifiers: ClinVar variation 3127720 (VCV003127720.3), dbSNP rs1472207337, ClinGen allele CA403015382.